The following is an entry in ClinVar:

ClinVar aggregate classification (germline): Likely pathogenic (1 of 4 stars; one submission).

Conditions:
Myoclonus, intractable, neonatal (NEIMY). Identifiers: MedGen C4310658, MONDO:0014979, OMIM 617235.

Submission:

Neuberg Centre For Genomic Medicine, NCGM
Classification: Likely pathogenic for Myoclonus, intractable, neonatal. Review status: criteria provided, single submitter. Criteria: ACMG Guidelines, 2015. Collection method: clinical testing. Allele origin: germline. Inheritance: Autosomal dominant inheritance. Affected: yes.
Comment: The frameshift c.2906del(p.Met969SerfsTer79) variant in KIF5A gene has not been reported previously as a pathogenic variant nor a benign variant, to our knowledge. The p.Met969SerfsTer79 variant is novel (not in any individuals) in both gnomAD Exomes and 1000 Genomes databases. This variant has not been reported to the ClinVar database. This variant causes a frameshift starting with codon Methionine 969, changes this amino acid to Serine residue, and creates a premature Stop codon at position 79 of the new reading frame, denoted p.Met969SerfsTer79. This variant is predicted to cause loss of normal protein function through protein truncation. Loss of function variants have been previously reported to be disease causing. A nearby variant [c.2921delC | p.Ser974fs] in the same gene has been reported in de novo state in a child with myoclonic epilepsy and acute encephalopathy (Rydzanicz M, et. al., 2017). For these reasons, this variant has been classified as Likely Pathogenic.

NM_004984.4(KIF5A):c.2906del (p.Met969fs)

Gene: KIF5A (kinesin family member 5A; plus strand). Cytogenetic location: 12q13.3.
Variant type: Deletion.
Coding change: c.2906del on transcript NM_004984.4 (MANE Select); coding-DNA position 2906, one base deleted (T; older notation c.2906delT).
Protein change: p.Met969fs; shifts the reading frame from methionine 969.
Molecular consequence: frameshift variant.
Genome position (GRCh38, 1-based): chr12:57,581,565, T deleted. VCF-style (leftmost placement, unchanged base first): chr12-57581564-AT-A. GRCh37 (hg19) VCF-style: chr12-57975347-AT-A.
Other names: c.2639del, p.Met880fs (NM_001354705.2); short protein forms M880fs, M969fs.
Identifiers: ClinVar variation 2663931 (VCV002663931.1), dbSNP rs2540515721, ClinGen allele CA2695199097.